The following is an entry in ClinVar:

NM_001267550.2(TTN):c.72816C>A (p.Cys24272Ter)

Genes: TTN (titin; minus strand), TTN-AS1 (TTN antisense RNA 1; plus strand). Cytogenetic location: 2q31.2.
Variant type: single nucleotide variant.
Coding change: c.72816C>A on transcript NM_001267550.2 (MANE Select); coding-DNA position 72816, C replaced by A.
Protein change: p.Cys24272Ter; replaces cysteine 24272 with a stop codon.
Molecular consequence: nonsense.
Genome position (GRCh38, 1-based): chr2:178,573,316, G>T on the plus strand (C>A on the coding strand, the complement: TTN is on the minus strand). VCF-style: chr2-178573316-G-T. GRCh37 (hg19) VCF-style: chr2-179438043-G-T.
Other names: c.67893C>A, p.Cys22631Ter (NM_001256850.1); c.45621C>A, p.Cys15207Ter (NM_003319.4); c.65112C>A, p.Cys21704Ter (NM_133378.4); c.45996C>A, p.Cys15332Ter (NM_133432.3); c.46197C>A, p.Cys15399Ter (NM_133437.4); short protein forms C21704*, C15399*, C22631*, C24272*, C15332*, C15207*.
Identifiers: ClinVar variation 2921898 (VCV002921898.3), dbSNP rs2468579514, ClinGen allele CA349645353.

ClinVar aggregate classification (germline): Likely pathogenic (1 of 4 stars; one submission).

Conditions:
Dilated cardiomyopathy 1G (CMD1G). Identifiers: Orphanet 154, MedGen C1858763, MONDO:0011400, OMIM 604145.
Autosomal recessive limb-girdle muscular dystrophy type 2J (LGMDR10). Also called: Limb-girdle muscular dystrophy, type 2J; MUSCULAR DYSTROPHY, LIMB-GIRDLE, AUTOSOMAL RECESSIVE 10. Identifiers: Orphanet 140922, MedGen C1837342, MONDO:0012127, OMIM 608807.

Submission:

Labcorp Genetics (formerly Invitae), Labcorp
Classification: Likely pathogenic for Dilated cardiomyopathy 1G; Autosomal recessive limb-girdle muscular dystrophy type 2J. Last evaluated: 2024-01-03. Review status: criteria provided, single submitter. Criteria: Invitae Variant Classification Sherloc (09022015). Collection method: clinical testing. Allele origin: germline.
Comment: This sequence change creates a premature translational stop signal (p.Cys24272*) in the TTN gene. While this is not anticipated to result in nonsense mediated decay, it is expected to create a truncated TTN protein. This variant is not present in population databases (gnomAD no frequency). This variant has not been reported in the literature in individuals affected with TTN-related conditions. This variant is located in the A band of TTN (PMID: 25589632). Truncating variants in this region are significantly overrepresented in patients affected with dilated cardiomyopathy (PMID: 25589632). Truncating variants in this region have also been reported in individuals affected with autosomal recessive centronuclear myopathy (PMID: 23975875). In summary, the currently available evidence indicates that the variant is pathogenic, but additional data are needed to prove that conclusively. Therefore, this variant has been classified as Likely Pathogenic.

Literature cited by the submitters: PubMed 25589632; PubMed 23975875.